The following is an entry in ClinVar:

NM_001197104.2(KMT2A):c.2062T>G (p.Phe688Val)

Gene: KMT2A (lysine methyltransferase 2A; plus strand). Cytogenetic location: 11q23.3.
Variant type: single nucleotide variant.
Coding change: c.2062T>G on transcript NM_001197104.2 (MANE Select); coding-DNA position 2062, T replaced by G.
Protein change: p.Phe688Val; replaces phenylalanine 688 with valine.
Molecular consequence: missense variant.
Genome position (GRCh38, 1-based): chr11:118,473,221, T>G. VCF-style: chr11-118473221-T-G. GRCh37 (hg19) VCF-style: chr11-118343936-T-G.
Other names: c.2161T>G, p.Phe721Val (NM_001412597.1); c.2062T>G, p.Phe688Val (NM_005933.4); short protein forms F688V, F721V.
Identifiers: ClinVar variation 1906978 (VCV001906978.5), dbSNP rs369566552, ClinGen allele CA6303476.
Genomic context (GRCh38, chr11:118,473,221, plus strand): 5'-TCTGCATCTGGTACCGCTGCTTCAGCCCGATTGTTTTCGCCACTCCATTCTGGAACAAGG[T>G]TTGATATGCACAAAAGGAGCCCTCTTCTGAGAGCTCCAAGATTTACTCCAAGTGAGGCTC-3'
Protein context (NP_001184033.1, residues 678-698): LFSPLHSGTR[Phe688Val]DMHKRSPLLR

ClinVar aggregate classification (germline): Uncertain significance (1 of 4 stars; one submission).

Allele frequency attached by ClinVar (database versions not stated): ExAC 0.00002.
gnomAD v4.1: 17 of 1,612,738 alleles (0.0011%); highest among the groups gnomAD compares: East Asian, 0.022%; no homozygotes.

Submission:

Labcorp Genetics (formerly Invitae), Labcorp
Classification: Uncertain significance. Last evaluated: 2024-09-21. Review status: criteria provided, single submitter. Criteria: Invitae Variant Classification Sherloc (09022015). Collection method: clinical testing. Allele origin: germline.
Comment: This sequence change replaces phenylalanine, which is neutral and non-polar, with valine, which is neutral and non-polar, at codon 688 of the KMT2A protein (p.Phe688Val). This variant is present in population databases (rs369566552, gnomAD 0.04%). This variant has not been reported in the literature in individuals affected with KMT2A-related conditions. ClinVar contains an entry for this variant (Variation ID: 1906978). Invitae Evidence Modeling of protein sequence and biophysical properties (such as structural, functional, and spatial information, amino acid conservation, physicochemical variation, residue mobility, and thermodynamic stability) indicates that this missense variant is expected to disrupt KMT2A protein function with a positive predictive value of 95%. In summary, the available evidence is currently insufficient to determine the role of this variant in disease. Therefore, it has been classified as a Variant of Uncertain Significance.